The following is an entry in ClinVar:

NM_001292063.2(OTOG):c.472C>A (p.Leu158Ile)

Gene: OTOG (otogelin; plus strand). Cytogenetic location: 11p15.1.
Variant type: single nucleotide variant.
Coding change: c.472C>A on transcript NM_001292063.2 (MANE Select); coding-DNA position 472, C replaced by A.
Protein change: p.Leu158Ile; replaces leucine 158 with isoleucine.
Molecular consequence: missense variant.
Genome position (GRCh38, 1-based): chr11:17,553,451, C>A. VCF-style: chr11-17553451-C-A. GRCh37 (hg19) VCF-style: chr11-17574998-C-A.
Other names: c.508C>A, p.Leu170Ile (NM_001277269.2); short protein forms L158I, L170I.
Identifiers: ClinVar variation 3233968 (VCV003233968.2), dbSNP rs1030011828, ClinGen allele CA379811608.

ClinVar aggregate classification (germline): Uncertain significance (1 of 4 stars; one submission).

Submission:

Women's Health and Genetics/Laboratory Corporation of America, LabCorp
Classification: Uncertain significance. Last evaluated: 2024-03-14. Review status: criteria provided, single submitter. Criteria: LabCorp Variant Classification Summary - May 2015. Collection method: clinical testing. Allele origin: germline.
Comment: Variant summary: OTOG c.508C>A (p.Leu170Ile) results in a conservative amino acid change located in the von Willebrand factor, type D domain (IPR001846) of the encoded protein sequence. Three of five in-silico tools predict a benign effect of the variant on protein function. The frequency data for this variant in gnomAD is considered unreliable, as metrics indicate poor data quality at this position. To our knowledge, no occurrence of c.508C>A in individuals affected with Deafness, Autosomal Recessive 18b and no experimental evidence demonstrating its impact on protein function have been reported. No submitters have cited clinical-significance assessments for this variant to ClinVar. Based on the evidence outlined above, the variant was classified as uncertain significance.